The following is an entry in ClinVar:

ClinVar aggregate classification (germline): Uncertain significance (1 of 4 stars; one submission).

Allele frequency attached by ClinVar (database versions not stated): ExAC 0.00001; gnomAD exomes 0.00001 and 0.00002; TOPMed 0.00002; ESP Exome Variant Server 0.00008.
gnomAD v4.1: 28 of 1,613,274 alleles (0.0017%); highest among the groups gnomAD compares: Non-Finnish European, 0.0022%; no homozygotes.

Submission:

Labcorp Genetics (formerly Invitae), Labcorp
Classification: Uncertain significance. Last evaluated: 2025-12-27. Review status: criteria provided, single submitter. Criteria: Invitae Variant Classification Sherloc (09022015). Collection method: clinical testing. Allele origin: germline.
Comment: This sequence change replaces cysteine, which is neutral and slightly polar, with serine, which is neutral and polar, at codon 776 of the TAOK2 protein (p.Cys776Ser). This variant is present in population databases (rs371212254, gnomAD 0.003%). This variant has not been reported in the literature in individuals affected with TAOK2-related conditions. ClinVar contains an entry for this variant (Variation ID: 1358091). An algorithm developed to predict the effect of missense changes on protein structure and function outputs the following: PolyPhen-2: "Benign". The serine amino acid residue is found in multiple mammalian species, which suggests that this missense change does not adversely affect protein function. In summary, the available evidence is currently insufficient to determine the role of this variant in disease. Therefore, it has been classified as a Variant of Uncertain Significance.

NM_016151.4(TAOK2):c.2327G>C (p.Cys776Ser)

Gene: TAOK2 (TAO kinase 2; plus strand). Cytogenetic location: 16p11.2.
Variant type: single nucleotide variant.
Coding change: c.2327G>C on transcript NM_016151.4 (MANE Select); coding-DNA position 2327, G replaced by C.
Protein change: p.Cys776Ser; replaces cysteine 776 with serine.
Molecular consequence: missense variant. On other transcripts: intron variant (2).
Genome position (GRCh38, 1-based): chr16:29,986,599, G>C. VCF-style: chr16-29986599-G-C. GRCh37 (hg19) VCF-style: chr16-29997920-G-C.
Other names: c.2232+95G>C (NM_004783.4, NM_001252043.2); short protein forms C776S.
Identifiers: ClinVar variation 1358091 (VCV001358091.6), dbSNP rs371212254, ClinGen allele CA7998362.